The following is an entry in ClinVar:

NM_006267.5(RANBP2):c.728T>C (p.Met243Thr)

Gene: RANBP2 (RAN binding protein 2; plus strand). Cytogenetic location: 2q13.
Variant type: single nucleotide variant.
Coding change: c.728T>C on transcript NM_006267.5 (MANE Select); coding-DNA position 728, T replaced by C.
Protein change: p.Met243Thr; replaces methionine 243 with threonine.
Molecular consequence: missense variant.
Genome position (GRCh38, 1-based): chr2:108,736,195, T>C. VCF-style: chr2-108736195-T-C. GRCh37 (hg19) VCF-style: chr2-109352651-T-C.
Other names: short protein forms M243T.
Identifiers: ClinVar variation 469483 (VCV000469483.13), dbSNP rs139151870, ClinGen allele CA1822110.
Genomic context (GRCh38, chr2:108,736,195, plus strand): 5'-CTGATAAAAGTGACTGGCGAGCAACCAATACAGACTTACTGCTGGCCTATGCTAATCTTA[T>C]GCTTCTTACGCTTTCCACTAGAGATGTGCAGGAAAGTAGAGAATTACTGCAAAGGTACGT-3'
Protein context (NP_006258.3, residues 233-253): TDLLLAYANL[Met243Thr]LLTLSTRDVQ

ClinVar aggregate classification (germline): Benign. Review status: criteria provided, multiple submitters, no conflicts (2 of 4 stars). 3 submissions from 3 submitters: Benign (3). Last evaluated 2025-02-03.

Conditions:
Familial acute necrotizing encephalopathy (IIAE3). Also called: Susceptibility to Acute Necrotizing Encephalopathy 1; ENCEPHALOPATHY, ACUTE, INFECTION-INDUCED, SUSCEPTIBILITY TO, 3. Identifiers: Orphanet 88619, MedGen C2675556, MONDO:0011953, OMIM 608033.

Allele frequency attached by ClinVar (database versions not stated): gnomAD exomes 0.00041 and 0.00104; ExAC 0.00131; ESP Exome Variant Server 0.00438; 1000 Genomes Project 30x 0.00453; gnomAD 0.00457 and 0.00489; 1000 Genomes Project 0.00459; TOPMed 0.00473.
gnomAD v4.1: 1,315 of 1,611,978 alleles (0.082%); highest among the groups gnomAD compares: African/African-American, 1.6%; 12 homozygotes.

Submissions (3):

Labcorp Genetics (formerly Invitae), Labcorp
Classification: Benign for Familial acute necrotizing encephalopathy. Last evaluated: 2025-02-03. Review status: criteria provided, single submitter. Criteria: Invitae Variant Classification Sherloc (09022015). Collection method: clinical testing. Allele origin: germline.

GeneDx
Classification: Benign. Last evaluated: 2017-03-03. Review status: criteria provided, single submitter. Criteria: GeneDx Variant Classification (06012015). Collection method: clinical testing. Allele origin: germline. Affected: yes.
Comment: This variant is considered likely benign or benign based on one or more of the following criteria: it is a conservative change, it occurs at a poorly conserved position in the protein, it is predicted to be benign by multiple in silico algorithms, and/or has population frequency not consistent with disease.

Breakthrough Genomics
Classification: Benign. Review status: criteria provided, single submitter. Criteria: ACMG Guidelines, 2015. Collection method: not provided. Allele origin: germline. Inheritance: Autosomal dominant inheritance. Affected: yes.